The following is an entry in ClinVar:

NM_004415.4(DSP):c.8117A>T (p.Lys2706Met)

Gene: DSP (desmoplakin; plus strand). Cytogenetic location: 6p24.3.
Variant type: single nucleotide variant.
Coding change: c.8117A>T on transcript NM_004415.4 (MANE Select); coding-DNA position 8117, A replaced by T.
Protein change: p.Lys2706Met; replaces lysine 2706 with methionine.
Molecular consequence: missense variant.
Genome position (GRCh38, 1-based): chr6:7,585,379, A>T. VCF-style: chr6-7585379-A-T. GRCh37 (hg19) VCF-style: chr6-7585612-A-T.
Other names: p.Lys2706Met; c.8117A>T (LRG_423t1, NM_004415.3); c.6320A>T, p.Lys2107Met (NM_001008844.3); c.6788A>T, p.Lys2263Met (NM_001319034.2); short protein forms K2706M, K2107M, K2263M.
Identifiers: ClinVar variation 496250 (VCV000496250.24), dbSNP rs537588390, ClinGen allele CA051545.

ClinVar aggregate classification (germline): Conflicting classifications of pathogenicity. Review status: criteria provided, conflicting classifications (1 of 4 stars). 11 submissions from 11 submitters: Uncertain significance (9); Likely benign (1). 1 of the submissions does not count toward it. Last evaluated 2026-06-15.

Conditions:
DSP-related disorder. Also called: DSP-related condition; DSP-related disorders.
Cardiovascular phenotype. Identifiers: MedGen CN230736.
Cardiomyopathy, dilated, with wooly hair, keratoderma, and tooth agenesis. Also called: Cardiomyopathy, dilated, with woolly hair, keratoderma, and tooth agenesis; Erythrokeratodermia-cardiomyopathy syndrome. Identifiers: Orphanet 476096, Orphanet 65282, MedGen C4014393, MONDO:0014355, OMIM 615821.
Woolly hair-skin fragility syndrome (WHSF). Identifiers: Orphanet 293165, MedGen C1843292, MONDO:0957307, OMIM 620415.
Arrhythmogenic right ventricular dysplasia 8 (ARVD8). Also called: ARRHYTHMOGENIC RIGHT VENTRICULAR DYSPLASIA, FAMILIAL, 8; ARRHYTHMOGENIC RIGHT VENTRICULAR CARDIOMYOPATHY 8; Arrhythmogenic Right Ventricular Dysplasia/Cardiomyopathy 8. Identifiers: MedGen C1843896, MONDO:0011831, OMIM 607450.
Arrhythmogenic cardiomyopathy with wooly hair and keratoderma. Also called: PALMOPLANTAR KERATODERMA WITH LEFT VENTRICULAR CARDIOMYOPATHY AND WOOLLY HAIR; Carvajal syndrome; Dilated cardiomyopathy with woolly hair and keratoderma; Arrhythmogenic cardiomyopathy with woolly hair and keratoderma. Identifiers: Orphanet 65282, MedGen C1854063, MONDO:0011581, OMIM 605676.
Keratosis palmoplantaris striata 2. Also called: KERATODERMA, PALMOPLANTAR, STRIATE FORM II; STRIATE PALMOPLANTAR KERATODERMA II; Keratosis palmoplantaris striata II. Identifiers: MedGen C1852127, MONDO:0013034, OMIM 612908.
Lethal acantholytic epidermolysis bullosa (EBLA). Identifiers: Orphanet 158687, MedGen C1864826, MONDO:0012323, OMIM 609638.
Cardiomyopathy (CMYO). Also called: Cardiomyopathies. Identifiers: Orphanet 167848, MedGen C0878544, MONDO:0004994, HP:0001638. Inheritance: Various modes of inheritance.
Restrictive cardiomyopathy. Identifiers: Orphanet 217632, MedGen C0007196, MeSH D002313, MONDO:0005201, HP:0001723.
Primary dilated cardiomyopathy (DCM). Also called: Dilated Cardiomyopathy. Identifiers: Orphanet 217604, MedGen C0007193, MeSH D002311, MONDO:0005021, HP:0001644. Inheritance: Various modes of inheritance.

Allele frequency attached by ClinVar (database versions not stated): TOPMed 0.00002; gnomAD exomes 0.00003 and 0.00004; ExAC 0.00004; gnomAD 0.00004 and 0.00005; 1000 Genomes Project 30x 0.00031; 1000 Genomes Project 0.00040.

Submissions (11):

PreventionGenetics, part of Exact Sciences
Classification: Uncertain significance for DSP-related condition. Last evaluated: 2026-06-15. Review status: criteria provided, single submitter. Criteria: ACMG Guidelines, 2015. Collection method: clinical testing. Allele origin: germline.
Comment: The DSP c.8117A>T variant is predicted to result in the amino acid substitution p.Lys2706Met. This variant has been reported in a cohort study of individuals with hypertrophic cardiomyopathy (Lopes et al. 2014, PubMed ID: 25351510). It has also been identified in a family with dilated cardiomyopathy, in which a pathogenic variant in the LMNA gene was also present (Hoorntje et al. 2017, PubMed ID: 28790152). This variant is observed in 0.013% of alleles in individuals of South Asian descent in gnomAD. At this time, the clinical significance of this variant remains uncertain due to the lack of conclusive functional and genetic evidence.

Petrovsky National Research Centre of Surgery, The Federal Agency for Scientific Organizations
Classification: Uncertain significance for Restrictive cardiomyopathy. Last evaluated: 2026-04-09. Review status: criteria provided, single submitter. Criteria: ACMG Guidelines, 2015. Collection method: clinical testing. Allele origin: germline. Affected: yes. Observed: 1 variant allele.
Comment: The variant is in The Genome Aggregation Database (gnomAD) v4.1.0 with total 4.151e-05. (Date of access 2026-04-09). In accordance with ACMG (2015) criteria this variant is classified as Uncertain significance with following criteria selected: PM2.

Labcorp Genetics (formerly Invitae), Labcorp
Classification: Likely benign for Arrhythmogenic cardiomyopathy with wooly hair and keratoderma; Arrhythmogenic right ventricular dysplasia 8. Last evaluated: 2025-12-29. Review status: criteria provided, single submitter. Criteria: Invitae Variant Classification Sherloc (09022015). Collection method: clinical testing. Allele origin: germline.

Ambry Genetics
Classification: Uncertain significance for Cardiovascular phenotype. Last evaluated: 2025-09-08. Review status: criteria provided, single submitter. Criteria: Ambry Variant Classification Scheme 2023. Collection method: clinical testing. Allele origin: germline.

All of Us Research Program, National Institutes of Health
Classification: Uncertain significance for Arrhythmogenic cardiomyopathy with wooly hair and keratoderma. Last evaluated: 2024-09-23. Review status: criteria provided, single submitter. Criteria: ACMG Guidelines, 2015. Collection method: clinical testing. Allele origin: germline. Inheritance: Autosomal dominant inheritance. Observed: 18 variant alleles, 18 heterozygotes.
Comment: This missense variant replaces lysine with methionine at codon 2706 of the DSP protein. Computational prediction suggests that this variant may not impact protein structure and function (internally defined REVEL score threshold <= 0.5, PMID: 27666373). To our knowledge, functional studies have not been performed for this variant. This variant has been identified in 10/282828 chromosomes in the general population by the Genome Aggregation Database (gnomAD). The available evidence is insufficient to determine the role of this variant in disease conclusively. Therefore, this variant is classified as a Variant of Uncertain Significance.

This study involves interpretation of variants in research participants for the purpose of population health screening. Participant phenotype was not available at the time of variant classification. Additional details can be found in publication PMID: 35346344, PMCID: PMC8962531

GeneDx
Classification: Uncertain significance. Last evaluated: 2023-12-19. Review status: criteria provided, single submitter. Criteria: GeneDx Variant Classification Process June 2021. Collection method: clinical testing. Allele origin: germline. Affected: yes.
Comment: In silico analysis supports that this missense variant has a deleterious effect on protein structure/function; Observed in affected individuals within a family who also harbored a pathogenic LMNA variant; however, the DSP variant showed incomplete segregation with disease (PMID: 28790152); This variant is associated with the following publications: (PMID: 28790152)

Color Diagnostics, LLC DBA Color Health
Classification: Uncertain significance for Cardiomyopathy. Last evaluated: 2023-12-13. Review status: criteria provided, single submitter. Criteria: ACMG Guidelines, 2015. Collection method: clinical testing. Allele origin: germline.
Comment: This missense variant replaces lysine with methionine at codon 2706 of the DSP protein. Computational prediction suggests that this variant may not impact protein structure and function (internally defined REVEL score threshold <= 0.5, PMID: 27666373). To our knowledge, functional studies have not been performed for this variant. This variant has been identified in 10/282828 chromosomes in the general population by the Genome Aggregation Database (gnomAD). The available evidence is insufficient to determine the role of this variant in disease conclusively. Therefore, this variant is classified as a Variant of Uncertain Significance.

Mayo Clinic Laboratories, Mayo Clinic
Classification: Uncertain significance. Last evaluated: 2022-07-12. Review status: criteria provided, single submitter. Criteria: ACMG Guidelines, 2015. Collection method: clinical testing. Allele origin: germline. Observed: 1 variant allele.

Fulgent Genetics
Classification: Uncertain significance for Arrhythmogenic cardiomyopathy with wooly hair and keratoderma; Arrhythmogenic right ventricular dysplasia 8; Lethal acantholytic epidermolysis bullosa; Keratosis palmoplantaris striata 2; Cardiomyopathy, dilated, with wooly hair, keratoderma, and tooth agenesis. Last evaluated: 2021-07-26. Review status: criteria provided, single submitter. Criteria: ACMG Guidelines, 2015. Collection method: clinical testing. Allele origin: unknown.

Women's Health and Genetics/Laboratory Corporation of America, LabCorp
Classification: Uncertain significance. Last evaluated: 2017-01-23. Review status: criteria provided, single submitter. Criteria: LabCorp Variant Classification Summary - May 2015. Collection method: clinical testing. Allele origin: germline.
Comment: Variant summary: The DSP c.8117A>T (p.Lys2706Met) variant involves the alteration of a conserved nucleotide. 3/5 in silico tools predict a damaging outcome for this variant. This variant was found in 5/121266 control chromosomes at a frequency of 0.0000412, which is approximately 2 times the estimated maximal expected allele frequency of a pathogenic DSP variant (0.000025), suggesting this variant is possibly a benign polymorphism. However, due to limit number of occurrences in ExAC controls, benign classifcation of this variant can not be unequivocally established. The variant of interest has not, to our knowledge, been reported in affected individuals via publications and/or reputable databases/clinical diagnostic laboratories; nor evaluated for functional impact by in vivo/vitro studies. Taken together, this variant is classified as VUS.

Clinical Molecular Genetics Laboratory, Johns Hopkins All Children's Hospital
Classification: Uncertain significance for Dilated cardiomyopathy. Last evaluated: 2017-08-29. Review status: no assertion criteria provided. Collection method: clinical testing. Allele origin: germline. Affected: yes. Not counted in ClinVar's aggregate classification.

Literature cited by the submitters: PubMed 25351510 (cited by All of Us Research Program, National Institutes of Health and Color Diagnostics, LLC DBA Color Health); PubMed 28790152 (cited by All of Us Research Program, National Institutes of Health and Color Diagnostics, LLC DBA Color Health).